The following is an entry in ClinVar:

ClinVar aggregate classification (germline): Uncertain significance. Review status: criteria provided, multiple submitters, no conflicts (2 of 4 stars). 2 submissions from 2 submitters: Uncertain significance (2). Last evaluated 2025-12-02.

Conditions:
Inborn genetic diseases. Identifiers: MedGen C0950123, MeSH D030342.
Nemaline myopathy 2 (NEM2). Also called: Nemaline myopathy 2, autosomal recessive. Identifiers: MedGen C1850569, MONDO:0009725, OMIM 256030.

gnomAD v4.1: 1 of 1,611,360 alleles (0.000062%); highest among the groups gnomAD compares: Middle Eastern, 0.017%; no homozygotes.

Submissions (2):

Ambry Genetics
Classification: Uncertain significance for Inborn genetic diseases. Last evaluated: 2025-12-02. Review status: criteria provided, single submitter. Criteria: Ambry Variant Classification Scheme 2023. Collection method: clinical testing. Allele origin: germline.

Labcorp Genetics (formerly Invitae), Labcorp
Classification: Uncertain significance for Nemaline myopathy 2. Last evaluated: 2021-09-24. Review status: criteria provided, single submitter. Criteria: Invitae Variant Classification Sherloc (09022015). Collection method: clinical testing. Allele origin: germline.
Comment: This sequence change replaces glycine with glutamic acid at codon 7957 of the NEB protein (p.Gly7957Glu). The glycine residue is moderately conserved and there is a moderate physicochemical difference between glycine and glutamic acid. This variant is not present in population databases (ExAC no frequency). This variant has not been reported in the literature in individuals affected with NEB-related conditions. Algorithms developed to predict the effect of missense changes on protein structure and function are either unavailable or do not agree on the potential impact of this missense change (SIFT: "Deleterious"; PolyPhen-2: "Not Available"; Align-GVGD: "Class C0"). In summary, the available evidence is currently insufficient to determine the role of this variant in disease. Therefore, it has been classified as a Variant of Uncertain Significance.

NM_001164508.2(NEB):c.23765G>A (p.Gly7922Glu)

Genes: NEB (nebulin; minus strand), RIF1 (replication timing regulatory factor 1; plus strand). Cytogenetic location: 2q23.3.
Variant type: single nucleotide variant.
Coding change: c.23765G>A on transcript NM_001164508.2 (MANE Select); coding-DNA position 23765, G replaced by A.
Protein change: p.Gly7922Glu; replaces glycine 7922 with glutamic acid.
Molecular consequence: missense variant.
Genome position (GRCh38, 1-based): chr2:151,503,419, C>T on the plus strand (G>A on the coding strand, the complement: NEB is on the minus strand). VCF-style: chr2-151503419-C-T. GRCh37 (hg19) VCF-style: chr2-152359933-C-T.
Other names: c.18662G>A (NM_004543.4); c.23765G>A, p.Gly7922Glu (NM_001164507.2); c.23870G>A, p.Gly7957Glu (NM_001271208.2); c.18662G>A, p.Gly6221Glu (NM_004543.5); short protein forms G7957E, G6221E, G7922E.
Identifiers: ClinVar variation 2197504 (VCV002197504.2), dbSNP rs1253296856, ClinGen allele CA348782337.
Genomic context (GRCh38, chr2:151,503,419, plus strand): 5'-TTCTCTTGATTGCGTTTGACTCTCTCAATCTCTGGAGTCACAGTGGTTGGAATGCCTGTT[C>T]CCAAGTTTTCTTTGTACATAACCTGTAGAAAATAATTAGAATACCCAGAAAGGTAAAATG-3'
Protein context (NP_001157980.2, residues 7912-7932): ISSVMYKENL[Gly7922Glu]TGIPTTVTPE